The following is an entry in ClinVar:

NM_004429.5(EFNB1):c.843G>A (p.Ser281=)

Gene: EFNB1 (ephrin B1; plus strand). Cytogenetic location: Xq13.1.
Variant type: single nucleotide variant.
Coding change: c.843G>A on transcript NM_004429.5 (MANE Select); coding-DNA position 843, G replaced by A.
Protein change: p.Ser281=; no amino-acid change (serine 281 retained).
Molecular consequence: synonymous variant.
Genome position (GRCh38, 1-based): chrX:68,840,456, G>A. VCF-style: chrX-68840456-G-A. GRCh37 (hg19) VCF-style: chrX-68060299-G-A.
Identifiers: ClinVar variation 737593 (VCV000737593.31), dbSNP rs143341175, ClinGen allele CA10438246.

ClinVar aggregate classification (germline): Likely benign. Review status: criteria provided, multiple submitters, no conflicts (2 of 4 stars). 3 submissions from 3 submitters: Likely benign (3). Last evaluated 2025-08-21.

Allele frequency attached by ClinVar (database versions not stated): TOPMed 0.00014; ESP Exome Variant Server 0.00019.
gnomAD v4.1: 132 of 1,210,269 alleles (0.011%); highest among the groups gnomAD compares: Non-Finnish European, 0.013%; no homozygotes.

Submissions (3):

Labcorp Genetics (formerly Invitae), Labcorp
Classification: Likely benign. Last evaluated: 2025-08-21. Review status: criteria provided, single submitter. Criteria: Invitae Variant Classification Sherloc (09022015). Collection method: clinical testing. Allele origin: germline.

Blueprint Genetics
Classification: Likely benign. Last evaluated: 2024-10-14. Review status: criteria provided, single submitter. Criteria: ACMG Guidelines, 2015. Collection method: clinical testing. Allele origin: germline.

CeGaT Center for Human Genetics Tuebingen
Classification: Likely benign. Last evaluated: 2022-05-01. Review status: criteria provided, single submitter. Criteria: CeGaT Center For Human Genetics Tuebingen Variant Classification Criteria Version 2. Collection method: clinical testing. Allele origin: germline. Affected: yes. Observed: 1 variant allele.
Comment: EFNB1: BP4, BP7